The following is an entry in ClinVar:

NM_014780.5(CUL7):c.2549C>T (p.Pro850Leu)

Gene: CUL7 (cullin 7; minus strand). Cytogenetic location: 6p21.1.
Variant type: single nucleotide variant.
Coding change: c.2549C>T on transcript NM_014780.5 (MANE Select); coding-DNA position 2549, C replaced by T.
Protein change: p.Pro850Leu; replaces proline 850 with leucine.
Molecular consequence: missense variant.
Genome position (GRCh38, 1-based): chr6:43,046,347, G>A on the plus strand (C>T on the coding strand, the complement: CUL7 is on the minus strand). VCF-style: chr6-43046347-G-A. GRCh37 (hg19) VCF-style: chr6-43014085-G-A.
Other names: c.2645C>T, p.Pro882Leu (NM_001168370.2, NM_001374872.1); c.2549C>T, p.Pro850Leu (NM_001374873.1, NM_001374874.1); c.2549C>T (NM_014780.4); short protein forms P850L, P882L.
Identifiers: ClinVar variation 1473190 (VCV001473190.6), dbSNP rs372754676, ClinGen allele CA3813805.

ClinVar aggregate classification (germline): Uncertain significance. Review status: criteria provided, multiple submitters, no conflicts (2 of 4 stars). 2 submissions from 2 submitters: Uncertain significance (2). Last evaluated 2025-01-24.

Conditions:
Inborn genetic diseases. Identifiers: MedGen C0950123, MeSH D030342.

Allele frequency attached by ClinVar (database versions not stated): gnomAD exomes 0.00001 and 0.00004; ExAC 0.00002; gnomAD 0.00005 and 0.00006; TOPMed 0.00005; ESP Exome Variant Server 0.00008.

Submissions (2):

Ambry Genetics
Classification: Uncertain significance for Inborn genetic diseases. Last evaluated: 2025-01-24. Review status: criteria provided, single submitter. Criteria: Ambry Variant Classification Scheme 2023. Collection method: clinical testing. Allele origin: germline.

Labcorp Genetics (formerly Invitae), Labcorp
Classification: Uncertain significance. Last evaluated: 2024-01-08. Review status: criteria provided, single submitter. Criteria: Invitae Variant Classification Sherloc (09022015). Collection method: clinical testing. Allele origin: germline.
Comment: This sequence change replaces proline, which is neutral and non-polar, with leucine, which is neutral and non-polar, at codon 850 of the CUL7 protein (p.Pro850Leu). The frequency data for this variant in the population databases is considered unreliable, as metrics indicate poor data quality at this position in the gnomAD database. This variant has not been reported in the literature in individuals affected with CUL7-related conditions. ClinVar contains an entry for this variant (Variation ID: 1473190). Advanced modeling of protein sequence and biophysical properties (such as structural, functional, and spatial information, amino acid conservation, physicochemical variation, residue mobility, and thermodynamic stability) performed at Invitae indicates that this missense variant is not expected to disrupt CUL7 protein function with a negative predictive value of 80%. In summary, the available evidence is currently insufficient to determine the role of this variant in disease. Therefore, it has been classified as a Variant of Uncertain Significance.